The following is an entry in ClinVar:

ClinVar aggregate classification (germline): Conflicting classifications of pathogenicity. Review status: criteria provided, conflicting classifications (1 of 4 stars). 8 submissions from 8 submitters: Uncertain significance (3); Likely benign (4). 1 of the submissions does not count toward it. Last evaluated 2025-10-23.

Conditions:
Cardiovascular phenotype. Identifiers: MedGen CN230736.
Sitosterolemia 1. Identifiers: MedGen C2749759, MONDO:0020747, OMIM 210250.
ABCG8-related disorder. Also called: ABCG8-related condition.

Allele frequency attached by ClinVar (database versions not stated): gnomAD exomes 0.00003 and 0.00010; ExAC 0.00010; ESP Exome Variant Server 0.00031; gnomAD 0.00034 and 0.00036; 1000 Genomes Project 30x 0.00047; 1000 Genomes Project 0.00060.
gnomAD v4.1: 100 of 1,613,544 alleles (0.0062%); highest among the groups gnomAD compares: African/African-American, 0.12%; 1 homozygote.

Submissions (8):

Labcorp Genetics (formerly Invitae), Labcorp
Classification: Likely benign. Last evaluated: 2025-10-23. Review status: criteria provided, single submitter. Criteria: Invitae Variant Classification Sherloc (09022015). Collection method: clinical testing. Allele origin: germline.

Revvity Omics, Revvity
Classification: Uncertain significance for Sitosterolemia 1. Last evaluated: 2024-10-21. Review status: criteria provided, single submitter. Criteria: ACMG Guidelines, 2015. Collection method: clinical testing. Allele origin: germline.

Blueprint Genetics
Classification: Likely benign. Last evaluated: 2023-11-01. Review status: criteria provided, single submitter. Criteria: ACMG Guidelines, 2015. Collection method: clinical testing. Allele origin: germline.

Women's Health and Genetics/Laboratory Corporation of America, LabCorp
Classification: Likely benign. Last evaluated: 2023-07-18. Review status: criteria provided, single submitter. Criteria: LabCorp Variant Classification Summary - May 2015. Collection method: clinical testing. Allele origin: germline.

Genetic Services Laboratory, University of Chicago
Classification: Uncertain significance. Last evaluated: 2021-01-04. Review status: criteria provided, single submitter. Criteria: ACMG Guidelines, 2015. Collection method: clinical testing. Allele origin: germline. Affected: no.

Ambry Genetics
Classification: Likely benign for Cardiovascular phenotype. Last evaluated: 2019-09-02. Review status: criteria provided, single submitter. Criteria: Ambry Variant Classification Scheme 2023. Collection method: clinical testing. Allele origin: germline.

Eurofins Ntd Llc (ga)
Classification: Uncertain significance. Last evaluated: 2017-11-16. Review status: criteria provided, single submitter. Criteria: EGL Classification Definitions 2015. Collection method: clinical testing. Allele origin: germline. Observed: 1 variant allele, 1 heterozygote.

PreventionGenetics, part of Exact Sciences
Classification: Likely benign for ABCG8-related condition. Last evaluated: 2021-12-14. Review status: no assertion criteria provided. Collection method: clinical testing. Allele origin: germline. Not counted in ClinVar's aggregate classification.
Comment: This variant is classified as likely benign based on ACMG/AMP sequence variant interpretation guidelines (Richards et al. 2015 PMID: 25741868, with internal and published modifications).

NM_022437.3(ABCG8):c.1473A>G (p.Pro491=)

Gene: ABCG8 (ATP binding cassette subfamily G member 8; plus strand). Cytogenetic location: 2p21.
Variant type: single nucleotide variant.
Coding change: c.1473A>G on transcript NM_022437.3 (MANE Select); coding-DNA position 1473, A replaced by G.
Protein change: p.Pro491=; no amino-acid change (proline 491 retained).
Molecular consequence: synonymous variant.
Genome position (GRCh38, 1-based): chr2:43,874,468, A>G. VCF-style: chr2-43874468-A-G. GRCh37 (hg19) VCF-style: chr2-44101607-A-G.
Other names: c.1470A>G, p.Pro490= (NM_001357321.2).
Identifiers: ClinVar variation 595020 (VCV000595020.24), dbSNP rs146046068, ClinGen allele CA1637468.